The following is an entry in ClinVar:

NM_000070.3(CAPN3):c.107G>A (p.Gly36Asp)

Gene: CAPN3 (calpain 3; plus strand). Cytogenetic location: 15q15.1.
Variant type: single nucleotide variant.
Coding change: c.107G>A on transcript NM_000070.3 (MANE Select); coding-DNA position 107, G replaced by A.
Protein change: p.Gly36Asp; replaces glycine 36 with aspartic acid.
Molecular consequence: missense variant.
Genome position (GRCh38, 1-based): chr15:42,359,912, G>A. VCF-style: chr15-42359912-G-A. GRCh37 (hg19) VCF-style: chr15-42652110-G-A.
Other names: c.107G>A, p.Gly36Asp (NM_024344.2, NM_173087.2); short protein forms G36D.
Identifiers: ClinVar variation 4883151 (VCV004883151.2).

ClinVar aggregate classification (germline): Uncertain significance (1 of 4 stars; one submission).

gnomAD v4.1: 12 of 1,614,240 alleles (0.00074%); highest among the groups gnomAD compares: Non-Finnish European, 0.001%; no homozygotes.

Submission:

Dasa
Classification: Uncertain significance. Last evaluated: 2024-10-24. Review status: criteria provided, single submitter. Criteria: DASA Assertion Criteria. Collection method: clinical testing. Allele origin: germline.
Comment: NM_000070.3(CAPN3):c.107G>A (p.Gly36Asp) is a missense variant that results in the substitution of glycine with aspartic acid. This variant is rare in population databases. The currently available literature and clinical evidence are not sufficient to establish a definitive association between this variant and the reported condition. Therefore, this variant is classified as a variant of uncertain significance.